The following is an entry in ClinVar:

NM_000143.4(FH):c.905G>C (p.Gly302Ala)

Gene: FH (fumarate hydratase; minus strand). Cytogenetic location: 1q43.
Variant type: single nucleotide variant.
Coding change: c.905G>C on transcript NM_000143.4 (MANE Select); coding-DNA position 905, G replaced by C.
Protein change: p.Gly302Ala; replaces glycine 302 with alanine.
Molecular consequence: missense variant.
Genome position (GRCh38, 1-based): chr1:241,504,245, C>G on the plus strand (G>C on the coding strand, the complement: FH is on the minus strand). VCF-style: chr1-241504245-C-G. GRCh37 (hg19) VCF-style: chr1-241667545-C-G.
Other names: short protein forms G302A.
Identifiers: ClinVar variation 2724653 (VCV002724653.4), dbSNP rs1162334354, ClinGen allele CA345438435.

ClinVar aggregate classification (germline): Uncertain significance. Review status: criteria provided, multiple submitters, no conflicts (2 of 4 stars). 2 submissions from 2 submitters: Uncertain significance (2). Last evaluated 2024-04-16.

Conditions:
Hereditary cancer-predisposing syndrome. Also called: Neoplastic Syndromes, Hereditary; Tumor predisposition; Hereditary neoplastic syndrome; Hereditary Cancer Syndrome. Identifiers: Orphanet 140162, MedGen C0027672, MeSH D009386, MONDO:0015356.

gnomAD v4.1: 1 of 1,613,670 alleles (0.000062%); highest among the groups gnomAD compares: Non-Finnish European, 0.000085%; no homozygotes.

Submissions (2):

Labcorp Genetics (formerly Invitae), Labcorp
Classification: Uncertain significance. Last evaluated: 2024-04-16. Review status: criteria provided, single submitter. Criteria: Invitae Variant Classification Sherloc (09022015). Collection method: clinical testing. Allele origin: germline.
Comment: This sequence change replaces glycine, which is neutral and non-polar, with alanine, which is neutral and non-polar, at codon 302 of the FH protein (p.Gly302Ala). This variant is present in population databases (no rsID available, gnomAD 0.0009%). This variant has not been reported in the literature in individuals affected with FH-related conditions. An algorithm developed to predict the effect of missense changes on protein structure and function (PolyPhen-2) suggests that this variant is likely to be tolerated. In summary, the available evidence is currently insufficient to determine the role of this variant in disease. Therefore, it has been classified as a Variant of Uncertain Significance.

Ambry Genetics
Classification: Uncertain significance for Hereditary cancer-predisposing syndrome. Last evaluated: 2024-04-05. Review status: criteria provided, single submitter. Criteria: Ambry Variant Classification Scheme 2023. Collection method: clinical testing. Allele origin: germline.
Comment: The p.G302A variant (also known as c.905G>C) is located in coding exon 7 of the FH gene. The glycine at codon 302 is replaced by alanine, an amino acid with similar properties. This change occurs in the first base pair of coding exon 7. This amino acid position is conserved. In addition, this alteration is predicted to be deleterious by in silico analysis. Based on the available evidence, the clinical significance of this variant remains unclear.